The following is an entry in ClinVar:

NM_017841.4(SDHAF2):c.313T>C (p.Tyr105His)

Gene: SDHAF2 (succinate dehydrogenase complex assembly factor 2; plus strand). Cytogenetic location: 11q12.2.
Variant type: single nucleotide variant.
Coding change: c.313T>C on transcript NM_017841.4 (MANE Select); coding-DNA position 313, T replaced by C.
Protein change: p.Tyr105His; replaces tyrosine 105 with histidine.
Molecular consequence: missense variant.
Genome position (GRCh38, 1-based): chr11:61,438,056, T>C. VCF-style: chr11-61438056-T-C. GRCh37 (hg19) VCF-style: chr11-61205528-T-C.
Other names: short protein forms Y105H.
Identifiers: ClinVar variation 4715437 (VCV004715437.1).

ClinVar aggregate classification (germline): Uncertain significance (1 of 4 stars; one submission).

Conditions:
Hereditary pheochromocytoma and paraganglioma. Also called: Hereditary pheochromocytoma-paraganglioma; Hereditary Paraganglioma-Pheochromocytoma Syndromes; Hereditary paragangliomas and pheochromocytomas. Identifiers: Orphanet 29072, MedGen C4274332, MONDO:0017366.

Submission:

Labcorp Genetics (formerly Invitae), Labcorp
Classification: Uncertain significance for Hereditary pheochromocytoma and paraganglioma. Last evaluated: 2025-03-19. Review status: criteria provided, single submitter. Criteria: Invitae Variant Classification Sherloc (09022015). Collection method: clinical testing. Allele origin: germline.
Comment: This sequence change replaces tyrosine, which is neutral and polar, with histidine, which is basic and polar, at codon 105 of the SDHAF2 protein (p.Tyr105His). This variant is not present in population databases (gnomAD no frequency). This variant has not been reported in the literature in individuals affected with SDHAF2-related conditions. An algorithm developed to predict the effect of missense changes on protein structure and function (PolyPhen-2) suggests that this variant is likely to be disruptive. In summary, the available evidence is currently insufficient to determine the role of this variant in disease. Therefore, it has been classified as a Variant of Uncertain Significance.